The following is an entry in ClinVar:

NM_182548.4(LHFPL5):c.*423T>C

Gene: LHFPL5 (LHFPL tetraspan subfamily member 5; plus strand). Cytogenetic location: 6p21.31.
Variant type: single nucleotide variant.
Coding change: c.*423T>C on transcript NM_182548.4 (MANE Select); 423 bases downstream of the stop codon, T replaced by C.
Molecular consequence: 3 prime UTR variant.
Genome position (GRCh38, 1-based): chr6:35,823,388, T>C. VCF-style: chr6-35823388-T-C. GRCh37 (hg19) VCF-style: chr6-35791165-T-C.
Identifiers: ClinVar variation 356502 (VCV000356502.5), dbSNP rs9368890, ClinGen allele CA10621992.

ClinVar aggregate classification (germline): Benign (1 of 4 stars; one submission).

Conditions:
Autosomal recessive nonsyndromic hearing loss 67. Identifiers: Orphanet 90636, MedGen C1853223, MONDO:0012460, OMIM 610265.

Allele frequency attached by ClinVar (database versions not stated): gnomAD 0.00281 and 0.00326; 1000 Genomes Project 0.30551.

Submission:

Illumina Laboratory Services, Illumina
Classification: Benign for Autosomal recessive nonsyndromic hearing loss 67. Last evaluated: 2018-01-12. Review status: criteria provided, single submitter. Criteria: ICSL Variant Classification Criteria 13 December 2019. Collection method: clinical testing. Allele origin: germline.
Comment: This variant was observed in the ICSL laboratory as part of a predisposition screen in an ostensibly healthy population. It had not been previously curated by ICSL or reported in the Human Gene Mutation Database (HGMD: prior to June 1st, 2018), and was therefore a candidate for classification through an automated scoring system. Utilizing variant allele frequency, disease prevalence and penetrance estimates, and inheritance mode, an automated score was calculated to assess if this variant is too frequent to cause the disease. Based on the score and internal cut-off values, a variant classified as benign is not then subjected to further curation. The score for this variant resulted in a classification of benign for this disease.